The following is an entry in ClinVar:

NM_004408.4(DNM1):c.33_34delinsAA (p.Leu12Met)

Genes: CIZ1 (CDKN1A interacting zinc finger protein 1; minus strand), DNM1 (dynamin 1; plus strand). Cytogenetic location: 9q34.11.
Variant type: Indel.
Coding change: c.33_34delinsAA on transcript NM_004408.4 (MANE Select); coding-DNA positions 33 to 34, GC replaced by AA.
Protein change: p.Leu12Met; replaces leucine 12 with methionine.
Molecular consequence: missense variant. On other transcripts: intron variant (2).
Genome position (GRCh38, 1-based): chr9:128,203,503-128,203,504, GC replaced by AA. VCF-style: chr9-128203503-GC-AA. GRCh37 (hg19) VCF-style: chr9-130965782-GC-AA.
Other names: c.33_34delinsAA, p.Leu12Met (NM_001005336.3, NM_001288737.2, NM_001288738.2 and 2 more transcripts); c.-6+682_-6+683delinsTT (NM_001131015.2, NM_012127.3); short protein forms L12M.
Identifiers: ClinVar variation 2915480 (VCV002915480.3), dbSNP rs2538912418, ClinGen allele CA2739265044.

ClinVar aggregate classification (germline): Uncertain significance (1 of 4 stars; one submission).

Conditions:
Developmental and epileptic encephalopathy, 31A. Also called: Epileptic encephalopathy, early infantile, 31; Developmental and epileptic encephalopathy, 31. Identifiers: Orphanet 2382, MedGen C4225357, MONDO:0014598, OMIM 616346.

Submission:

Labcorp Genetics (formerly Invitae), Labcorp
Classification: Uncertain significance for Developmental and epileptic encephalopathy, 31A. Last evaluated: 2025-03-13. Review status: criteria provided, single submitter. Criteria: Invitae Variant Classification Sherloc (09022015). Collection method: clinical testing. Allele origin: germline.
Comment: This sequence change replaces leucine, which is neutral and non-polar, with methionine, which is neutral and non-polar, at codon 12 of the DNM1 protein (p.Leu12Met). Information on the frequency of this variant in the gnomAD database is not available, as this variant may be reported differently in the database. This variant has not been reported in the literature in individuals affected with DNM1-related conditions. ClinVar contains an entry for this variant (Variation ID: 2915480). Experimental studies and prediction algorithms are not available or were not evaluated, and the functional significance of this variant is currently unknown. In summary, the available evidence is currently insufficient to determine the role of this variant in disease. Therefore, it has been classified as a Variant of Uncertain Significance.